The following is an entry in ClinVar:

ClinVar aggregate classification (germline): Benign (3 of 4 stars; one submission).

Conditions:
Breast-ovarian cancer, familial, susceptibility to, 1 (BROVCA1). Also called: BRCA1 Hereditary Breast and Ovarian Cancer; OVARIAN CANCER, SUSCEPTIBILITY TO. Identifiers: Orphanet 145, MedGen C2676676, MONDO:0011450, OMIM 604370. Disease mechanism: loss of function.

Allele frequency attached by ClinVar (database versions not stated): gnomAD exomes 0.00108; gnomAD 0.00634; 1000 Genomes Project 0.00699; TOPMed 0.00769; 1000 Genomes Project 30x 0.00796.
gnomAD v4.1: 1,057 of 209,458 alleles (0.5%); highest among the groups gnomAD compares: African/African-American, 2.2%; 10 homozygotes.

Submission:

Evidence-based Network for the Interpretation of Germline Mutant Alleles (ENIGMA)
Classification: Benign for Breast-ovarian cancer, familial 1. Last evaluated: 2015-01-12. Review status: reviewed by expert panel. Criteria: ENIGMA BRCA1/2 Classification Criteria (2015). Collection method: curation. Allele origin: germline.
Comment: Class 1 not pathogenic based on frequency >1% in an outbred sampleset. Frequency 0.0122 (African), derived from 1000 genomes (2012-04-30).

NM_007294.4(BRCA1):c.135-3807T>C

Gene: BRCA1 (BRCA1 DNA repair associated; minus strand). Cytogenetic location: 17q21.31.
Variant type: single nucleotide variant.
Coding change: c.135-3807T>C on transcript NM_007294.4 (MANE Select); 3807 bases into the intron before coding-DNA position 135, T replaced by C.
Molecular consequence: intron variant.
Genome position (GRCh38, 1-based): chr17:43,110,340, A>G on the plus strand (T>C on the coding strand, the complement: BRCA1 is on the minus strand). VCF-style: chr17-43110340-A-G. GRCh37 (hg19) VCF-style: chr17-41262357-A-G.
Other names: IVS 3-3807T>C; c.135-3807T>C (NM_001407647.1, NM_001408446.1, NM_001408435.1 and 167 more transcripts); c.-55+125T>C (NM_001408492.1, NM_001407900.1); c.-8+125T>C (NM_001408468.1, NM_001407842.1, NM_001407749.1 and 14 more transcripts); c.-55+2147T>C (NM_001407889.1); c.-8+2147T>C (NM_001407695.1); c.-7-3807T>C (NM_001407846.1, NM_001407726.1, NM_001408503.1 and 81 more transcripts); c.-54-3807T>C (NM_001408513.1, NM_001407899.1, NM_001408507.1 and 55 more transcripts); and 6 more.
Identifiers: ClinVar variation 209509 (VCV000209509.2), dbSNP rs111615606, ClinGen allele CA276479.